The following is an entry in ClinVar:

ClinVar aggregate classification (germline): Uncertain significance (1 of 4 stars; one submission).

Conditions:
Cystic fibrosis (CF). Also called: MUCOVISCIDOSIS. Identifiers: Orphanet 586, MedGen C0010674, MONDO:0009061, OMIM 219700. Disease mechanism: loss of function.

Submission:

Ambry Genetics
Classification: Uncertain significance for Cystic fibrosis. Last evaluated: 2025-07-22. Review status: criteria provided, single submitter. Criteria: Ambry Variant Classification Scheme 2023. Collection method: clinical testing. Allele origin: germline.
Comment: The p.R709L variant (also known as c.2126G>T), located in coding exon 14 of the CFTR gene, results from a G to T substitution at nucleotide position 2126. The arginine at codon 709 is replaced by leucine, an amino acid with dissimilar properties. This amino acid position is conserved. In addition, this alteration is predicted to be deleterious by in silico analysis. Based on the available evidence, the clinical significance of this variant remains unclear.

NM_000492.4(CFTR):c.2126G>T (p.Arg709Leu)

Gene: CFTR (CF transmembrane conductance regulator; plus strand). Cytogenetic location: 7q31.2.
Variant type: single nucleotide variant.
Coding change: c.2126G>T on transcript NM_000492.4 (MANE Select); coding-DNA position 2126, G replaced by T.
Protein change: p.Arg709Leu; replaces arginine 709 with leucine.
Molecular consequence: missense variant.
Genome position (GRCh38, 1-based): chr7:117,592,293, G>T. VCF-style: chr7-117592293-G-T. GRCh37 (hg19) VCF-style: chr7-117232347-G-T.
Other names: short protein forms R709L.
Identifiers: ClinVar variation 4227414 (VCV004227414.1).